The following is an entry in ClinVar:

NM_152393.4(KLHL40):c.1444G>A (p.Val482Ile)

Gene: KLHL40 (kelch like family member 40; plus strand). Cytogenetic location: 3p22.1.
Variant type: single nucleotide variant.
Coding change: c.1444G>A on transcript NM_152393.4 (MANE Select); coding-DNA position 1444, G replaced by A.
Protein change: p.Val482Ile; replaces valine 482 with isoleucine.
Molecular consequence: missense variant.
Genome position (GRCh38, 1-based): chr3:42,688,891, G>A. VCF-style: chr3-42688891-G-A. GRCh37 (hg19) VCF-style: chr3-42730383-G-A.
Other names: short protein forms V482I.
Identifiers: ClinVar variation 1991029 (VCV001991029.2), dbSNP rs771229933, ClinGen allele CA2336982.
Genomic context (GRCh38, chr3:42,688,891, plus strand): 5'-CTGCTTCTCTCCACCCATCCCCACCCTCCACCCCACAGGAAGTGCCTGAACAAGATGTGC[G>A]TCTATGACCCCAAGAAGTTTGAGTGGAAGGAGCTGGCACCCATGCAGACCGCCCGCTCAC-3'
Protein context (NP_689606.2, residues 472-492): SDRKCLNKMC[Val482Ile]YDPKKFEWKE

ClinVar aggregate classification (germline): Uncertain significance (1 of 4 stars; one submission).

Conditions:
Nemaline myopathy 8 (NEM8). Also called: Nemaline myopathy 8, autosomal recessive. Identifiers: Orphanet 171430, MedGen C3809209, MONDO:0014138, OMIM 615348.

Allele frequency attached by ClinVar (database versions not stated): ExAC 0.00001; gnomAD 0.00002; TOPMed 0.00002; gnomAD exomes 0.00003.

Submission:

Labcorp Genetics (formerly Invitae), Labcorp
Classification: Uncertain significance for Nemaline myopathy 8. Last evaluated: 2022-06-06. Review status: criteria provided, single submitter. Criteria: Invitae Variant Classification Sherloc (09022015). Collection method: clinical testing. Allele origin: germline.
Comment: This sequence change replaces valine, which is neutral and non-polar, with isoleucine, which is neutral and non-polar, at codon 482 of the KLHL40 protein (p.Val482Ile). This variant is present in population databases (rs771229933, gnomAD 0.003%). This variant has not been reported in the literature in individuals affected with KLHL40-related conditions. Algorithms developed to predict the effect of missense changes on protein structure and function are either unavailable or do not agree on the potential impact of this missense change (SIFT: "Deleterious"; PolyPhen-2: "Benign"; Align-GVGD: "Class C0"). In summary, the available evidence is currently insufficient to determine the role of this variant in disease. Therefore, it has been classified as a Variant of Uncertain Significance.